The following is an entry in ClinVar:

ClinVar aggregate classification (germline): Benign. Review status: criteria provided, single submitter (1 of 4 stars). 2 submissions from 2 submitters: Benign (1). 1 of the submissions does not count toward it. Last evaluated 2025-02-15.

Conditions:
Retinal dystrophy. Also called: Inherited retinal dystrophy. Identifiers: Orphanet 71862, MedGen C0854723, MeSH D058499, MONDO:0019118, HP:0000556.
Retinitis pigmentosa 89. Identifiers: MedGen C5394552, MONDO:0030071, OMIM 618955.

Submissions (2):

Mendelics
Classification: Benign for Retinitis pigmentosa 89. Last evaluated: 2025-02-15. Review status: criteria provided, single submitter. Criteria: ACMG Guidelines, 2015. Collection method: clinical testing. Allele origin: unknown.
Comment: The variant NM_004798.4:c.-89_-87del in KIF3B has GnomAD 4.1.0 frequency of 0.01462 with 3608 heterozygotes and 0 homozygotes. It is also found in Mendelics internal controls.

Institute of Human Genetics, Univ. Regensburg, Univ. Regensburg
Classification: Uncertain significance for Retinal dystrophy. Last evaluated: 2022-01-01. Review status: no assertion criteria provided. Criteria: ACMG Guidelines, 2015. Collection method: clinical testing. Allele origin: germline. Affected: yes. Not counted in ClinVar's aggregate classification.

NM_004798.4(KIF3B):c.-122GCC[11]

Gene: KIF3B (kinesin family member 3B; plus strand). Cytogenetic location: 20q11.21.
Variant type: Microsatellite.
Coding change: c.-122GCC[11] on transcript NM_004798.4 (MANE Select); 11 copies in a row of the 3-base unit GCC starting at c.-122; the reference has 12 copies in a row; one copy, 3 bases deleted.
Molecular consequence: 5 prime UTR variant.
Genome position (GRCh38, 1-based): chr20:32,277,742-32,277,744, GCC deleted; deleting any 3 consecutive bases within chr20:32,277,707-32,277,744 gives the same sequence; the position shown is the placement nearest the transcript's 3' end. VCF-style (leftmost placement, unchanged base first): chr20-32277706-CCCG-C. GRCh37 (hg19) VCF-style: chr20-30865509-CCCG-C.
Other names: c.-89_-87del (NM_004798.4).
Identifiers: ClinVar variation 3249155 (VCV003249155.2).